The following is an entry in ClinVar:

NM_004415.4(DSP):c.4604T>C (p.Leu1535Pro)

Gene: DSP (desmoplakin; plus strand). Cytogenetic location: 6p24.3.
Variant type: single nucleotide variant.
Coding change: c.4604T>C on transcript NM_004415.4 (MANE Select); coding-DNA position 4604, T replaced by C.
Protein change: p.Leu1535Pro; replaces leucine 1535 with proline.
Molecular consequence: missense variant. On other transcripts: intron variant (2).
Genome position (GRCh38, 1-based): chr6:7,580,794, T>C. VCF-style: chr6-7580794-T-C. GRCh37 (hg19) VCF-style: chr6-7581027-T-C.
Other names: c.4050+554T>C (NM_001319034.2); c.3582+1022T>C (NM_001008844.3); short protein forms L1535P.
Identifiers: ClinVar variation 2442878 (VCV002442878.3), dbSNP rs756784065, ClinGen allele CA133969987.

ClinVar aggregate classification (germline): Uncertain significance. Review status: criteria provided, multiple submitters, no conflicts (2 of 4 stars). 2 submissions from 2 submitters: Uncertain significance (2). Last evaluated 2025-05-12.

Conditions:
Cardiomyopathy (CMYO). Also called: Cardiomyopathies. Identifiers: Orphanet 167848, MedGen C0878544, MONDO:0004994, HP:0001638. Inheritance: Various modes of inheritance.

gnomAD v4.1: 9 of 1,614,108 alleles (0.00056%); highest among the groups gnomAD compares: Non-Finnish European, 0.00076%; no homozygotes.

Submissions (2):

Color Diagnostics, LLC DBA Color Health
Classification: Uncertain significance for Cardiomyopathy. Last evaluated: 2025-05-12. Review status: criteria provided, single submitter. Criteria: ACMG Guidelines, 2015. Collection method: clinical testing. Allele origin: germline.
Comment: This missense variant replaces leucine with proline at codon 1535 of the DSP protein. Computational prediction is inconclusive regarding the impact of this variant on protein structure and function. To our knowledge, functional studies have not been reported for this variant. This variant has been reported in an individual affected with arrhythmogenic right ventricular cardiomyopathy (PMID: 21606390). This variant has been identified in 1/250284 chromosomes in the general population by the Genome Aggregation Database (gnomAD). The available evidence is insufficient to determine the role of this variant in disease conclusively. Therefore, this variant is classified as a Variant of Uncertain Significance.

CHEO Genetics Diagnostic Laboratory, Children's Hospital of Eastern Ontario
Classification: Uncertain significance for Cardiomyopathy. Last evaluated: 2022-05-19. Review status: criteria provided, single submitter. Criteria: ACMG Guidelines, 2015. Collection method: clinical testing. Allele origin: germline.

Literature cited by the submitters: PubMed 21606390 (cited by Color Diagnostics, LLC DBA Color Health).